The following is an entry in ClinVar:

ClinVar aggregate classification (germline): Benign/Likely benign. Review status: criteria provided, multiple submitters, no conflicts (2 of 4 stars). 4 submissions from 4 submitters: Benign (2); Likely benign (1). 1 of the submissions does not count toward it. Last evaluated 2026-02-02.

Conditions:
PIGB-related disorder. Also called: PIGB-related condition.

Allele frequency attached by ClinVar (database versions not stated): gnomAD exomes 0.00036 and 0.00091; ExAC 0.00112; ESP Exome Variant Server 0.00283; gnomAD 0.00322 and 0.00334; TOPMed 0.00367; 1000 Genomes Project 0.00579; 1000 Genomes Project 30x 0.00625.
gnomAD v4.1: 1,047 of 1,611,094 alleles (0.065%); highest among the groups gnomAD compares: African/African-American, 1.1%; 6 homozygotes.

Submissions (4):

Labcorp Genetics (formerly Invitae), Labcorp
Classification: Benign. Last evaluated: 2026-02-02. Review status: criteria provided, single submitter. Criteria: Invitae Variant Classification Sherloc (09022015). Collection method: clinical testing. Allele origin: germline.

Blueprint Genetics
Classification: Likely benign. Last evaluated: 2024-11-25. Review status: criteria provided, single submitter. Criteria: ACMG Guidelines, 2015. Collection method: clinical testing. Allele origin: germline.

Breakthrough Genomics
Classification: Benign. Review status: criteria provided, single submitter. Criteria: ACMG Guidelines, 2015. Collection method: not provided. Allele origin: germline. Inheritance: Autosomal recessive inheritance. Affected: yes.

PreventionGenetics, part of Exact Sciences
Classification: Benign for PIGB-related condition. Last evaluated: 2020-01-28. Review status: no assertion criteria provided. Collection method: clinical testing. Allele origin: germline. Not counted in ClinVar's aggregate classification.
Comment: This variant is classified as benign based on ACMG/AMP sequence variant interpretation guidelines (Richards et al. 2015 PMID: 25741868, with internal and published modifications).

NM_004855.5(PIGB):c.971T>C (p.Leu324Ser)

Gene: PIGB (phosphatidylinositol glycan anchor biosynthesis class B; plus strand). Cytogenetic location: 15q21.3.
Variant type: single nucleotide variant.
Coding change: c.971T>C on transcript NM_004855.5 (MANE Select); coding-DNA position 971, T replaced by C.
Protein change: p.Leu324Ser; replaces leucine 324 with serine.
Molecular consequence: missense variant.
Genome position (GRCh38, 1-based): chr15:55,340,736, T>C. VCF-style: chr15-55340736-T-C. GRCh37 (hg19) VCF-style: chr15-55632934-T-C.
Other names: c.971T>C (NM_004855.4); short protein forms L324S.
Identifiers: ClinVar variation 1589434 (VCV001589434.12), dbSNP rs73415566, ClinGen allele CA7573978.
Genomic context (GRCh38, chr15:55,340,736, plus strand): 5'-GTTCTCATCCATGGCACTGGTACTTCAGTCAAGGATTTCCAGTTATCTTGGGTACTCACT[T>C]ACCCTTCTTTATTCATGGCTGCTATCTAGCACCAAAGAGATACCGGATACTTTTGGTGAC-3'
Protein context (NP_004846.4, residues 314-334): QGFPVILGTH[Leu324Ser]PFFIHGCYLA